The following is an entry in ClinVar:

ClinVar aggregate classification (germline): Uncertain significance (1 of 4 stars; one submission).

Conditions:
Chédiak-Higashi syndrome (CHS). Also called: Chediak-Higashi Syndrome. Identifiers: Orphanet 167, MedGen C0007965, MONDO:0008963, OMIM 214500.

gnomAD v4.1: 3 of 1,613,670 alleles (0.00019%); highest among the groups gnomAD compares: Non-Finnish European, 0.00025%; no homozygotes.

Submission:

Labcorp Genetics (formerly Invitae), Labcorp
Classification: Uncertain significance for Chédiak-Higashi syndrome. Last evaluated: 2021-11-14. Review status: criteria provided, single submitter. Criteria: Invitae Variant Classification Sherloc (09022015). Collection method: clinical testing. Allele origin: germline.
Comment: This sequence change replaces valine, which is neutral and non-polar, with isoleucine, which is neutral and non-polar, at codon 642 of the LYST protein (p.Val642Ile). This variant is not present in population databases (gnomAD no frequency). This variant has not been reported in the literature in individuals affected with LYST-related conditions. Algorithms developed to predict the effect of missense changes on protein structure and function output the following: SIFT: "Tolerated"; PolyPhen-2: "Benign"; Align-GVGD: "Class C0". The isoleucine amino acid residue is found in multiple mammalian species, which suggests that this missense change does not adversely affect protein function. In summary, the available evidence is currently insufficient to determine the role of this variant in disease. Therefore, it has been classified as a Variant of Uncertain Significance.

NM_000081.4(LYST):c.1924G>A (p.Val642Ile)

Gene: LYST (lysosomal trafficking regulator; minus strand). Cytogenetic location: 1q42.3.
Variant type: single nucleotide variant.
Coding change: c.1924G>A on transcript NM_000081.4 (MANE Select); coding-DNA position 1924, G replaced by A.
Protein change: p.Val642Ile; replaces valine 642 with isoleucine.
Molecular consequence: missense variant.
Genome position (GRCh38, 1-based): chr1:235,808,894, C>T on the plus strand (G>A on the coding strand, the complement: LYST is on the minus strand). VCF-style: chr1-235808894-C-T. GRCh37 (hg19) VCF-style: chr1-235972194-C-T.
Other names: c.1924G>A, p.Val642Ile (NM_001301365.1); short protein forms V642I.
Identifiers: ClinVar variation 1393187 (VCV001393187.5), dbSNP rs1673153081, ClinGen allele CA344961343.